The following is an entry in ClinVar:

NM_025144.4(ALPK1):c.2413del (p.Val805fs)

Gene: ALPK1 (alpha kinase 1; plus strand). Cytogenetic location: 4q25.
Variant type: Deletion.
Coding change: c.2413del on transcript NM_025144.4 (MANE Select); coding-DNA position 2413, one base deleted (G; older notation c.2413delG).
Protein change: p.Val805fs; shifts the reading frame from valine 805.
Molecular consequence: frameshift variant.
Genome position (GRCh38, 1-based): chr4:112,431,960, G deleted; the last of 3 consecutive G bases (chr4:112,431,958-112,431,960); deleting any one gives the same sequence. VCF-style (leftmost placement, unchanged base first): chr4-112431957-AG-A. GRCh37 (hg19) VCF-style: chr4-113353113-AG-A.
Other names: c.2413del, p.Val805fs (NM_001102406.2); c.2179del, p.Val727fs (NM_001253884.2); short protein forms V727fs, V805fs.
Identifiers: ClinVar variation 2959381 (VCV002959381.3), dbSNP rs761573952, ClinGen allele CA3046914.

ClinVar aggregate classification (germline): Uncertain significance (1 of 4 stars; one submission).

Submission:

Labcorp Genetics (formerly Invitae), Labcorp
Classification: Uncertain significance. Last evaluated: 2023-10-05. Review status: criteria provided, single submitter. Criteria: Invitae Variant Classification Sherloc (09022015). Collection method: clinical testing. Allele origin: germline.
Comment: This sequence change creates a premature translational stop signal (p.Val805Serfs*73) in the ALPK1 gene. It is expected to result in an absent or disrupted protein product. However, the current clinical and genetic evidence is not sufficient to establish whether loss-of-function variants in ALPK1 cause disease. The frequency data for this variant in the population databases is considered unreliable, as metrics indicate poor data quality at this position in the gnomAD database. This variant has not been reported in the literature in individuals affected with ALPK1-related conditions. This premature translational stop signal has been observed in at least one individual who was not affected with ALPK1-related conditions (Invitae). In summary, the available evidence is currently insufficient to determine the role of this variant in disease. Therefore, it has been classified as a Variant of Uncertain Significance.